The following is an entry in ClinVar:

NM_007294.4(BRCA1):c.148A>T (p.Lys50Ter)

Gene: BRCA1 (BRCA1 DNA repair associated; minus strand). Cytogenetic location: 17q21.31.
Variant type: single nucleotide variant.
Coding change: c.148A>T on transcript NM_007294.4 (MANE Select); coding-DNA position 148, A replaced by T.
Protein change: p.Lys50Ter; replaces lysine 50 with a stop codon.
Molecular consequence: nonsense. On other transcripts: non-coding transcript variant (1).
Genome position (GRCh38, 1-based): chr17:43,106,520, T>A on the plus strand (A>T on the coding strand, the complement: BRCA1 is on the minus strand). VCF-style: chr17-43106520-T-A. GRCh37 (hg19) VCF-style: chr17-41258537-T-A.
Other names: c.148A>T, p.Lys50Ter (NM_001408418.1, NM_001408419.1, NM_001408420.1 and 168 more transcripts); c.7A>T, p.Lys3Ter (NM_001408452.1, NM_001408453.1, NM_001408454.1 and 99 more transcripts); c.-41A>T (NM_001408478.1, NM_001408479.1, NM_001408480.1 and 58 more transcripts); short protein forms K3*, K50*.
Identifiers: ClinVar variation 868223 (VCV000868223.3), dbSNP rs747212786, ClinGen allele CA10601860.

Conditions:
Breast-ovarian cancer, familial, susceptibility to, 1 (BROVCA1). Also called: BRCA1 Hereditary Breast and Ovarian Cancer; OVARIAN CANCER, SUSCEPTIBILITY TO. Identifiers: Orphanet 145, MedGen C2676676, MONDO:0011450, OMIM 604370. Disease mechanism: loss of function.

Submission:

Brotman Baty Institute, University of Washington
No classification provided (evidence only). Condition: Breast-ovarian cancer, familial 1. Review status: no classification provided. Collection method: in vitro. Allele origin: not applicable. Functional consequence: functionally_abnormal.
ClinVar note: "not provided" was previously submitted as the classification for the variant. However, the classification appeared to be based only on an observation of functional data so it was converted to no classification on 2025-07-30.